The following is an entry in ClinVar:

NM_018418.5(SPATA7):c.935A>G (p.Asp312Gly)

Gene: SPATA7 (spermatogenesis associated 7; plus strand). Cytogenetic location: 14q31.3.
Variant type: single nucleotide variant.
Coding change: c.935A>G on transcript NM_018418.5 (MANE Select); coding-DNA position 935, A replaced by G.
Protein change: p.Asp312Gly; replaces aspartic acid 312 with glycine.
Molecular consequence: missense variant.
Genome position (GRCh38, 1-based): chr14:88,429,370, A>G. VCF-style: chr14-88429370-A-G. GRCh37 (hg19) VCF-style: chr14-88895714-A-G.
Other names: c.839A>G, p.Asp280Gly (NM_001040428.4); short protein forms D280G, D312G.
Identifiers: ClinVar variation 2043149 (VCV002043149.2), dbSNP rs375872478, ClinGen allele CA264537409.

ClinVar aggregate classification (germline): Uncertain significance. Review status: criteria provided, multiple submitters, no conflicts (2 of 4 stars). 2 submissions from 2 submitters: Uncertain significance (2). Last evaluated 2022-03-11.

Conditions:
Leber congenital amaurosis 3 (LCA3). Also called: SPATA7-Related Retinitis Pigmentosa. Identifiers: MedGen C1858677, MONDO:0011415, OMIM 604232.

Allele frequency attached by ClinVar (database versions not stated): gnomAD 0.00001; gnomAD exomes 0.00001; TOPMed 0.00002; ESP Exome Variant Server 0.00008.
gnomAD v4.1: 10 of 1,611,088 alleles (0.00062%); highest among the groups gnomAD compares: Non-Finnish European, 0.00085%; no homozygotes.

Submissions (2):

Labcorp Genetics (formerly Invitae), Labcorp
Classification: Uncertain significance for Leber congenital amaurosis 3. Last evaluated: 2022-03-11. Review status: criteria provided, single submitter. Criteria: Invitae Variant Classification Sherloc (09022015). Collection method: clinical testing. Allele origin: germline.
Comment: This sequence change replaces aspartic acid, which is acidic and polar, with glycine, which is neutral and non-polar, at codon 312 of the SPATA7 protein (p.Asp312Gly). This variant is not present in population databases (gnomAD no frequency). This variant has not been reported in the literature in individuals affected with SPATA7-related conditions. Algorithms developed to predict the effect of missense changes on protein structure and function output the following: SIFT: "Tolerated"; PolyPhen-2: "Benign"; Align-GVGD: "Class C0". The glycine amino acid residue is found in multiple mammalian species, which suggests that this missense change does not adversely affect protein function. In summary, the available evidence is currently insufficient to determine the role of this variant in disease. Therefore, it has been classified as a Variant of Uncertain Significance.

Blueprint Genetics
Classification: Uncertain significance. Last evaluated: 2017-08-26. Review status: criteria provided, single submitter. Criteria: ACMG Guidelines, 2015. Collection method: clinical testing. Allele origin: germline.